The following is an entry in ClinVar:

NM_001365536.1(SCN9A):c.2829G>A (p.Met943Ile)

Genes: SCN9A (sodium voltage-gated channel alpha subunit 9; minus strand), SCN1A-AS1 (SCN1A and SCN9A antisense RNA 1; plus strand). Cytogenetic location: 2q24.3.
Variant type: single nucleotide variant.
Coding change: c.2829G>A on transcript NM_001365536.1 (MANE Select); coding-DNA position 2829, G replaced by A.
Protein change: p.Met943Ile; replaces methionine 943 with isoleucine.
Molecular consequence: missense variant.
Genome position (GRCh38, 1-based): chr2:166,277,028, C>T on the plus strand (G>A on the coding strand, the complement: SCN9A is on the minus strand). VCF-style: chr2-166277028-C-T. GRCh37 (hg19) VCF-style: chr2-167133538-C-T.
Other names: c.2796G>A, p.Met932Ile (NM_002977.4); short protein forms M943I, M932I.
Identifiers: ClinVar variation 1425561 (VCV001425561.6), dbSNP rs200139913, ClinGen allele CA59794487.
Genomic context (GRCh38, chr2:166,277,028, plus strand): 5'-CATCTGGTTACATACCACCAGGTTTCCAATGACCATGACCATCATGTAAACAATAAGGCA[C>T]ATAGCTTGACCAGCGACCTCCATACAGTCCCACATGGTCTCTATCCACTCTCCACACAGC-3'
Protein context (NP_001352465.1, residues 933-953): WDCMEVAGQA[Met943Ile]CLIVYMMVMV

ClinVar aggregate classification (germline): Uncertain significance (1 of 4 stars; one submission).

Conditions:
Generalized epilepsy with febrile seizures plus, type 7 (GEFSP7). Also called: GEFS+, TYPE 7. Identifiers: Orphanet 36387, MedGen C2751778, MONDO:0013470, OMIM 613863.
Neuropathy, hereditary sensory and autonomic, type 2A (HSAN2A). Also called: ACROOSTEOLYSIS, GIACCAI TYPE; ACROOSTEOLYSIS, NEUROGENIC; HSAN IIA; WNK1-Related HSAN2 (HSAN2A); NEUROPATHY, CONGENITAL SENSORY; NEUROPATHY, HEREDITARY SENSORY RADICULAR, AUTOSOMAL RECESSIVE. Identifiers: Orphanet 970, MedGen C2752089, MONDO:0024309, OMIM 201300.

Submission:

Labcorp Genetics (formerly Invitae), Labcorp
Classification: Uncertain significance for Neuropathy, hereditary sensory and autonomic, type 2A; Generalized epilepsy with febrile seizures plus, type 7. Last evaluated: 2025-03-30. Review status: criteria provided, single submitter. Criteria: Invitae Variant Classification Sherloc (09022015). Collection method: clinical testing. Allele origin: germline.
Comment: This sequence change replaces methionine, which is neutral and non-polar, with isoleucine, which is neutral and non-polar, at codon 932 of the SCN9A protein (p.Met932Ile). This variant is not present in population databases (gnomAD no frequency). This variant has not been reported in the literature in individuals affected with SCN9A-related conditions. ClinVar contains an entry for this variant (Variation ID: 1425561). Invitae Evidence Modeling of protein sequence and biophysical properties (such as structural, functional, and spatial information, amino acid conservation, physicochemical variation, residue mobility, and thermodynamic stability) indicates that this missense variant is not expected to disrupt SCN9A protein function with a negative predictive value of 95%. In summary, the available evidence is currently insufficient to determine the role of this variant in disease. Therefore, it has been classified as a Variant of Uncertain Significance.